The following is an entry in ClinVar:

NM_004415.4(DSP):c.2297G>A (p.Ser766Asn)

Gene: DSP (desmoplakin; plus strand). Cytogenetic location: 6p24.3.
Variant type: single nucleotide variant.
Coding change: c.2297G>A on transcript NM_004415.4 (MANE Select); coding-DNA position 2297, G replaced by A.
Protein change: p.Ser766Asn; replaces serine 766 with asparagine.
Molecular consequence: missense variant.
Genome position (GRCh38, 1-based): chr6:7,574,252, G>A. VCF-style: chr6-7574252-G-A. GRCh37 (hg19) VCF-style: chr6-7574485-G-A.
Other names: c.2297G>A, p.Ser766Asn (NM_001008844.3, NM_001319034.2); short protein forms S766N.
Identifiers: ClinVar variation 4785592 (VCV004785592.1).
Genomic context (GRCh38, chr6:7,574,252, plus strand): 5'-TATTTGGACTATTTCAGAAACTGGAAAATATCAATGGTGTTACAGATGGCTACTTAAATA[G>A]GTAAACTCAGCTAACACTAATCTCATATTTTCCTTTTCTCAAGCTTCTTTTTCTGGGTCT-3'
Protein context (NP_004406.2, residues 756-776): INGVTDGYLN[Ser766Asn]LCTVRALLQA

ClinVar aggregate classification (germline): Uncertain significance (1 of 4 stars; one submission).

Conditions:
Arrhythmogenic cardiomyopathy with wooly hair and keratoderma. Also called: Carvajal syndrome; PALMOPLANTAR KERATODERMA WITH LEFT VENTRICULAR CARDIOMYOPATHY AND WOOLLY HAIR; Dilated cardiomyopathy with woolly hair and keratoderma; Arrhythmogenic cardiomyopathy with woolly hair and keratoderma. Identifiers: Orphanet 65282, MedGen C1854063, MONDO:0011581, OMIM 605676.
Arrhythmogenic right ventricular dysplasia 8 (ARVD8). Also called: Arrhythmogenic Right Ventricular Dysplasia/Cardiomyopathy 8; ARRHYTHMOGENIC RIGHT VENTRICULAR DYSPLASIA, FAMILIAL, 8; ARRHYTHMOGENIC RIGHT VENTRICULAR CARDIOMYOPATHY 8. Identifiers: MedGen C1843896, MONDO:0011831, OMIM 607450.

gnomAD v4.1: 1 of 1,613,334 alleles (0.000062%); highest among the groups gnomAD compares: Non-Finnish European, 0.000085%; no homozygotes.

Submission:

Labcorp Genetics (formerly Invitae), Labcorp
Classification: Uncertain significance for Arrhythmogenic cardiomyopathy with wooly hair and keratoderma; Arrhythmogenic right ventricular dysplasia 8. Last evaluated: 2025-07-16. Review status: criteria provided, single submitter. Criteria: Invitae Variant Classification Sherloc (09022015). Collection method: clinical testing. Allele origin: germline.
Comment: This sequence change replaces serine, which is neutral and polar, with asparagine, which is neutral and polar, at codon 766 of the DSP protein (p.Ser766Asn). This variant also falls at the last nucleotide of exon 16, which is part of the consensus splice site for this exon. This variant is not present in population databases (gnomAD no frequency). This missense change has been observed in individual(s) with clinical features of arrhythmogenic right ventricular cardiomyopathy (internal data). An algorithm developed to predict the effect of missense changes on protein structure and function (PolyPhen-2) suggests that this variant is likely to be disruptive. Variants that disrupt the consensus splice site are a relatively common cause of aberrant splicing (PMID: 17576681, 9536098). Algorithms developed to predict the effect of sequence changes on RNA splicing suggest that this variant may disrupt the consensus splice site. In summary, the available evidence is currently insufficient to determine the role of this variant in disease. Therefore, it has been classified as a Variant of Uncertain Significance.

Literature cited by the submitters: PubMed 17576681; PubMed 9536098.